The following is an entry in ClinVar:

ClinVar aggregate classification (germline): Conflicting classifications of pathogenicity. Review status: criteria provided, conflicting classifications (1 of 4 stars). 4 submissions from 4 submitters: Uncertain significance (3); Likely benign (1). Last evaluated 2025-10-06.

Conditions:
Hereditary breast ovarian cancer syndrome. Also called: Hereditary breast and ovarian cancer; Hereditary breast and/or ovarian cancer syndrome; Breast and ovarian cancer; BRCA1- and BRCA2-Associated Hereditary Breast and Ovarian Cancer; Hereditary breast and ovarian cancer syndrome; Hereditary breast and ovarian cancer syndrome (HBOC). Identifiers: Orphanet 145, MedGen C0677776, MeSH D061325, MONDO:0003582. Disease mechanism: loss of function.
Hereditary cancer-predisposing syndrome. Also called: Hereditary neoplastic syndrome; Tumor predisposition; Neoplastic Syndromes, Hereditary; Hereditary Cancer Syndrome. Identifiers: Orphanet 140162, MedGen C0027672, MeSH D009386, MONDO:0015356.

Allele frequency attached by ClinVar (database versions not stated): TOPMed below 0.00001; gnomAD 0.00001.
gnomAD v4.1: 1 of 1,610,538 alleles (0.000062%); highest among the groups gnomAD compares: African/African-American, 0.0013%; no homozygotes.

Submissions (4):

Labcorp Genetics (formerly Invitae), Labcorp
Classification: Uncertain significance for Hereditary breast ovarian cancer syndrome. Last evaluated: 2025-10-06. Review status: criteria provided, single submitter. Criteria: Invitae Variant Classification Sherloc (09022015). Collection method: clinical testing. Allele origin: germline.
Comment: This sequence change replaces lysine, which is basic and polar, with arginine, which is basic and polar, at codon 531 of the BRCA2 protein (p.Lys531Arg). This variant is not present in population databases (gnomAD no frequency). This variant has not been reported in the literature in individuals affected with BRCA2-related conditions. ClinVar contains an entry for this variant (Variation ID: 657416). Invitae Evidence Modeling of protein sequence and biophysical properties (such as structural, functional, and spatial information, amino acid conservation, physicochemical variation, residue mobility, and thermodynamic stability) indicates that this missense variant is not expected to disrupt BRCA2 protein function with a negative predictive value of 95%. In summary, the available evidence is currently insufficient to determine the role of this variant in disease. Therefore, it has been classified as a Variant of Uncertain Significance.

Ambry Genetics
Classification: Uncertain significance for Hereditary cancer-predisposing syndrome. Last evaluated: 2025-09-15. Review status: criteria provided, single submitter. Criteria: Ambry Variant Classification Scheme 2023. Collection method: clinical testing. Allele origin: germline.
Comment: The p.K531R variant (also known as c.1592A>G), located in coding exon 9 of the BRCA2 gene, results from an A to G substitution at nucleotide position 1592. The lysine at codon 531 is replaced by arginine, an amino acid with highly similar properties. This amino acid position is poorly conserved in available vertebrate species. In addition, this alteration is predicted to be tolerated by in silico analysis. Based on the available evidence, the clinical significance of this variant remains unclear.

Color Diagnostics, LLC DBA Color Health
Classification: Uncertain significance for Hereditary cancer-predisposing syndrome. Last evaluated: 2025-06-18. Review status: criteria provided, single submitter. Criteria: ACMG Guidelines, 2015. Collection method: clinical testing. Allele origin: germline.
Comment: This missense variant replaces lysine with arginine at codon 531 of the BRCA2 protein. Computational prediction suggests that this variant may not impact protein structure and function. To our knowledge, functional studies have not been reported for this variant. This variant has been detected in a breast cancer case-control meta-analysis in 0/60466 cases and 1/53461 unaffected individuals (PMID: 33471991Leiden Open Variation Database DB-ID BRCA2_007847). This variant has not been identified in the general population by the Genome Aggregation Database (gnomAD). The available evidence is insufficient to determine the role of this variant in disease conclusively. Therefore, this variant is classified as a Variant of Uncertain Significance.

University of Washington Department of Laboratory Medicine, University of Washington
Classification: Likely benign for Hereditary cancer-predisposing syndrome. Last evaluated: 2023-03-23. Review status: criteria provided, single submitter. Criteria: Dines et al. (Genet Med. 2020). Collection method: curation. Allele origin: germline.
Comment: Missense variant in a coldspot region where missense variants are very unlikely to be pathogenic (PMID:31911673).

BRCA2 exon 10 coldspot. Reclassification based on statistical prior probability.

Literature cited by the submitters: PubMed 33471991 (cited by Color Diagnostics, LLC DBA Color Health).

NM_000059.4(BRCA2):c.1592A>G (p.Lys531Arg)

Gene: BRCA2 (BRCA2 DNA repair associated; plus strand). Cytogenetic location: 13q13.1.
Variant type: single nucleotide variant.
Coding change: c.1592A>G on transcript NM_000059.4 (MANE Select); coding-DNA position 1592, A replaced by G.
Protein change: p.Lys531Arg; replaces lysine 531 with arginine.
Molecular consequence: missense variant.
Genome position (GRCh38, 1-based): chr13:32,333,070, A>G. VCF-style: chr13-32333070-A-G. GRCh37 (hg19) VCF-style: chr13-32907207-A-G.
Other names: short protein forms K531R.
Identifiers: ClinVar variation 657416 (VCV000657416.11), dbSNP rs876658771, ClinGen allele CA387764801.
Genomic context (GRCh38, chr13:32,333,070, plus strand): 5'-CACCTAAAGAGACTTTCAATGCAAGTTTTTCAGGTCATATGACTGATCCAAACTTTAAAA[A>G]AGAAACTGAAGCCTCTGAAAGTGGACTGGAAATACATACTGTTTGCTCACAGAAGGAGGA-3'
Protein context (NP_000050.3, residues 521-541): SGHMTDPNFK[Lys531Arg]ETEASESGLE